The following is an entry in ClinVar:

ClinVar aggregate classification (germline): Benign. Review status: criteria provided, single submitter (1 of 4 stars). 2 submissions from 2 submitters: Benign (1). 1 of the submissions does not count toward it.

Allele frequency attached by ClinVar (database versions not stated): 1000 Genomes Project 0.06809; 1000 Genomes Project 30x 0.07245; ExAC 0.09717; TOPMed 0.10673; gnomAD 0.11111 and 0.11528; ESP Exome Variant Server 0.12636.
gnomAD v4.1: 198,557 of 1,613,962 alleles (12%); highest among the groups gnomAD compares: Non-Finnish European, 14%; 13,458 homozygotes.

Submissions (2):

Breakthrough Genomics
Classification: Benign. Review status: criteria provided, single submitter. Criteria: ACMG Guidelines, 2015. Collection method: not provided. Allele origin: germline. Inheritance: Autosomal recessive inheritance. Affected: yes.

Genetic Services Laboratory, University of Chicago
Classification: Likely benign for AllHighlyPenetrant. Review status: no assertion criteria provided. Collection method: clinical testing. Allele origin: germline. Inheritance: Autosomal dominant inheritance. Not counted in ClinVar's aggregate classification.
Comment: Likely benign based on allele frequency in 1000 Genomes Project or ESP global frequency and its presence in a patient with a rare or unrelated disease phenotype. NOT Sanger confirmed.

NM_017757.3(ZNF407):c.1578G>A (p.Thr526=)

Gene: ZNF407 (zinc finger protein 407; plus strand). Cytogenetic location: 18q22.3.
Variant type: single nucleotide variant.
Coding change: c.1578G>A on transcript NM_017757.3 (MANE Select); coding-DNA position 1578, G replaced by A.
Protein change: p.Thr526=; no amino-acid change (threonine 526 retained).
Molecular consequence: synonymous variant.
Genome position (GRCh38, 1-based): chr18:74,632,597, G>A. VCF-style: chr18-74632597-G-A. GRCh37 (hg19) VCF-style: chr18-72344553-G-A.
Other names: c.1578G>A, p.Thr526= (NM_001146189.1, NM_001146190.1, NM_001384475.1).
Identifiers: ClinVar variation 130816 (VCV000130816.7), dbSNP rs7227391, ClinGen allele CA156115.
Genomic context (GRCh38, chr18:74,632,597, plus strand): 5'-CCGTCCTCCGGACTCCGGGCTGCATTCCCTGACAGTGAAGCCAGCTTCTGGCTCTCAGAC[G>A]TTGTGTGCTTGTACAGACTGTGGGCAAGTAGCTACAAATAGGACAGATTTGGAAATCCAT-3'
Protein context (NP_060227.2, residues 516-536): LTVKPASGSQ[Thr526=]LCACTDCGQV